The following is an entry in ClinVar:

NM_001171.6(ABCC6):c.2912G>T (p.Trp971Leu)

Gene: ABCC6 (ATP binding cassette subfamily C member 6; minus strand). Cytogenetic location: 16p13.11.
Variant type: single nucleotide variant.
Coding change: c.2912G>T on transcript NM_001171.6 (MANE Select); coding-DNA position 2912, G replaced by T.
Protein change: p.Trp971Leu; replaces tryptophan 971 with leucine.
Molecular consequence: missense variant. On other transcripts: non-coding transcript variant (4).
Genome position (GRCh38, 1-based): chr16:16,169,729, C>A on the plus strand (G>T on the coding strand, the complement: ABCC6 is on the minus strand). VCF-style: chr16-16169729-C-A. GRCh37 (hg19) VCF-style: chr16-16263586-C-A.
Other names: c.2570G>T, p.Trp857Leu (NM_001351800.1); c.2879G>T, p.Trp960Leu (NM_001440309.1); c.2744G>T, p.Trp915Leu (NM_001440310.1); short protein forms W915L, W960L, W857L, W971L.
Identifiers: ClinVar variation 4982427 (VCV004982427.1).

ClinVar aggregate classification (germline): Uncertain significance (1 of 4 stars; one submission).

Conditions:
ABCC6-related disorder. Also called: ABCC6-related condition.

gnomAD v4.1: 7 of 1,609,776 alleles (0.00043%); highest among the groups gnomAD compares: Non-Finnish European, 0.00059%; no homozygotes.

Submission:

PreventionGenetics, part of Exact Sciences
Classification: Uncertain significance for ABCC6-related condition. Last evaluated: 2026-01-07. Review status: criteria provided, single submitter. Criteria: ACMG Guidelines, 2015. Collection method: clinical testing. Allele origin: germline.
Comment: The ABCC6 c.2912G>T variant is predicted to result in the amino acid substitution p.Trp971Leu. To our knowledge, this variant has not been reported in the literature or in a large population database (gnomAD), indicating this variant is rare. At this time, the clinical significance of this variant is uncertain due to the absence of conclusive functional and genetic evidence.